The following is an entry in ClinVar:

ClinVar aggregate classification (germline): Likely pathogenic. Review status: criteria provided, multiple submitters, no conflicts (2 of 4 stars). 2 submissions from 2 submitters: Likely pathogenic (2). Last evaluated 2022-09-27.

Conditions:
CHM-related disorders.

Submissions (3):

Labcorp Genetics (formerly Invitae), Labcorp
Classification: Likely pathogenic. Last evaluated: 2022-09-27. Review status: criteria provided, single submitter. Criteria: Invitae Variant Classification Sherloc (09022015). Collection method: clinical testing. Allele origin: germline.
Comment: This variant is not present in population databases (gnomAD no frequency). This sequence change affects a donor splice site in intron 13 of the CHM gene. It is expected to disrupt RNA splicing. Variants that disrupt the donor or acceptor splice site typically lead to a loss of protein function (PMID: 16199547), and loss-of-function variants in CHM are known to be pathogenic (PMID: 9067750, 23811034). This variant has not been reported in the literature in individuals affected with CHM-related conditions. ClinVar contains an entry for this variant (Variation ID: 1066889). Algorithms developed to predict the effect of sequence changes on RNA splicing suggest that this variant may disrupt the consensus splice site. In summary, the currently available evidence indicates that the variant is pathogenic, but additional data are needed to prove that conclusively. Therefore, this variant has been classified as Likely Pathogenic.

Blueprint Genetics
Classification: Likely pathogenic for CHM-related disorders. Last evaluated: 2022-08-23. Review status: criteria provided, single submitter. Criteria: ACMG Guidelines, 2015. Collection method: clinical testing. Allele origin: germline. Affected: yes. Observed: 1 variant allele.

Dr. Peter K. Rogan Lab, Western University
No classification provided (evidence only). Condition: Nonpapillary renal cell carcinoma. Review status: no classification provided. Collection method: in vitro. Allele origin: not applicable. Functional consequence: skipped exon, retained intron. Not counted in ClinVar's aggregate classification.

Literature cited by the submitters: PubMed 16199547 (cited by Labcorp Genetics (formerly Invitae), Labcorp); PubMed 9067750 (cited by Labcorp Genetics (formerly Invitae), Labcorp); PubMed 23811034 (cited by Labcorp Genetics (formerly Invitae), Labcorp).

NM_000390.4(CHM):c.1609+1G>A

Gene: CHM (CHM Rab escort protein; minus strand). Cytogenetic location: Xq21.2.
Variant type: single nucleotide variant.
Coding change: c.1609+1G>A on transcript NM_000390.4 (MANE Select); the canonical splice donor site of the intron after coding-DNA position 1609, G replaced by A.
Molecular consequence: splice donor variant.
Genome position (GRCh38, 1-based): chrX:85,878,964, C>T on the plus strand (G>A on the coding strand, the complement: CHM is on the minus strand). VCF-style: chrX-85878964-C-T. GRCh37 (hg19) VCF-style: chrX-85133969-C-T.
Other names: c.1165+1G>A (NM_001362519.1, NM_001362517.1, NM_001320959.1 and 1 more transcripts).
Identifiers: ClinVar variation 1066889 (VCV001066889.9), dbSNP rs2148126338, ClinGen allele CA413787473.